The following is an entry in ClinVar:

NM_016529.6(ATP8A2):c.2830C>T (p.Pro944Ser)

Gene: ATP8A2 (ATPase phospholipid transporting 8A2). Cytogenetic location: 13q12.13.
Variant type: single nucleotide variant.
Coding change: c.2830C>T on transcript NM_016529.6 (MANE Select); coding-DNA position 2830, C replaced by T.
Protein change: p.Pro944Ser; replaces proline 944 with serine.
Molecular consequence: missense variant.
Genome position (GRCh38, 1-based): chr13:25,837,238, C>T. VCF-style: chr13-25837238-C-T. GRCh37 (hg19) VCF-style: chr13-26411376-C-T.
Other names: c.2635C>T, p.Pro879Ser (NM_001313741.1); c.2755C>T, p.Pro919Ser (NM_001411005.1); c.2830C>T, p.Pro944Ser (NM_001411006.1); short protein forms P944S, P879S, P919S.
Identifiers: ClinVar variation 1933849 (VCV001933849.5), dbSNP rs2542481047, ClinGen allele CA387682905.

ClinVar aggregate classification (germline): Uncertain significance (1 of 4 stars; one submission).

Submission:

Labcorp Genetics (formerly Invitae), Labcorp
Classification: Uncertain significance. Last evaluated: 2024-02-20. Review status: criteria provided, single submitter. Criteria: Invitae Variant Classification Sherloc (09022015). Collection method: clinical testing. Allele origin: germline.
Comment: This sequence change replaces proline, which is neutral and non-polar, with serine, which is neutral and polar, at codon 944 of the ATP8A2 protein (p.Pro944Ser). This variant is not present in population databases (gnomAD no frequency). This variant has not been reported in the literature in individuals affected with ATP8A2-related conditions. ClinVar contains an entry for this variant (Variation ID: 1933849). Advanced modeling of protein sequence and biophysical properties (such as structural, functional, and spatial information, amino acid conservation, physicochemical variation, residue mobility, and thermodynamic stability) performed at Invitae indicates that this missense variant is not expected to disrupt ATP8A2 protein function with a negative predictive value of 80%. In summary, the available evidence is currently insufficient to determine the role of this variant in disease. Therefore, it has been classified as a Variant of Uncertain Significance.